The following is an entry in ClinVar:

ClinVar aggregate classification (germline): Uncertain significance (1 of 4 stars; one submission).

Submission:

GeneDx
Classification: Uncertain significance. Last evaluated: 2022-07-28. Review status: criteria provided, single submitter. Criteria: GeneDx Variant Classification Process June 2021. Collection method: clinical testing. Allele origin: germline. Affected: yes.
Comment: Not observed at significant frequency in large population cohorts (gnomAD); In silico analysis supports that this missense variant does not alter protein structure/function; Has not been previously published as pathogenic or benign to our knowledge

NM_001042424.3(NSD2):c.1138A>G (p.Ser380Gly)

Gene: NSD2 (nuclear receptor binding SET domain protein 2; plus strand). Cytogenetic location: 4p16.3.
Variant type: single nucleotide variant.
Coding change: c.1138A>G on transcript NM_001042424.3 (MANE Select); coding-DNA position 1138, A replaced by G.
Protein change: p.Ser380Gly; replaces serine 380 with glycine.
Molecular consequence: missense variant.
Genome position (GRCh38, 1-based): chr4:1,918,351, A>G. VCF-style: chr4-1918351-A-G. GRCh37 (hg19) VCF-style: chr4-1920078-A-G.
Other names: c.1138A>G, p.Ser380Gly (NM_007331.2, NM_133330.3, NM_133331.3 and 2 more transcripts); short protein forms S380G.
Identifiers: ClinVar variation 2412873 (VCV002412873.3), dbSNP rs2108804773, ClinGen allele CA356005745.
Genomic context (GRCh38, chr4:1,918,351, plus strand): 5'-GCCAAGGAGGCTGGCATTGCTGCAGAGTCTTTGGGAGAAATGGCAGAATCCTCAGGAGTC[A>G]GTGAAGAAGCTGCTGAAAACCCCAAGTCTGTGAGAGAAGAGTGCATTCCCATGAAGAGAA-3'
Protein context (NP_001035889.1, residues 370-390): LGEMAESSGV[Ser380Gly]EEAAENPKSV